The following is an entry in ClinVar:

ClinVar aggregate classification (germline): Likely benign (1 of 4 stars; one submission).

Allele frequency attached by ClinVar (database versions not stated): 1000 Genomes Project 30x 0.00062; 1000 Genomes Project 0.00080; TOPMed 0.00239; ESP Exome Variant Server 0.00269; gnomAD exomes 0.00305; ExAC 0.00350; gnomAD 0.00375.
gnomAD v4.1: 5,007 of 1,614,148 alleles (0.31%); highest among the groups gnomAD compares: Non-Finnish European, 0.34%; 22 homozygotes.

Submission:

CeGaT Center for Human Genetics Tuebingen
Classification: Likely benign. Last evaluated: 2022-05-01. Review status: criteria provided, single submitter. Criteria: CeGaT Center For Human Genetics Tuebingen Variant Classification Criteria Version 2. Collection method: clinical testing. Allele origin: germline. Affected: yes. Observed: 1 variant allele.
Comment: BPNT1: BS2

NM_006085.6(BPNT1):c.637G>A (p.Asp213Asn)

Gene: BPNT1 (3'(2'), 5'-bisphosphate nucleotidase 1; minus strand). Cytogenetic location: 1q41.
Variant type: single nucleotide variant.
Coding change: c.637G>A on transcript NM_006085.6 (MANE Select); coding-DNA position 637, G replaced by A.
Protein change: p.Asp213Asn; replaces aspartic acid 213 with asparagine.
Molecular consequence: missense variant.
Genome position (GRCh38, 1-based): chr1:220,062,792, C>T on the plus strand (G>A on the coding strand, the complement: BPNT1 is on the minus strand). VCF-style: chr1-220062792-C-T. GRCh37 (hg19) VCF-style: chr1-220236134-C-T.
Other names: c.472G>A, p.Asp158Asn (NM_001286149.2, NM_001286151.2); c.529G>A, p.Asp177Asn (NM_001286150.2); short protein forms D158N, D177N, D213N.
Identifiers: ClinVar variation 2639906 (VCV002639906.24), dbSNP rs147533233, ClinGen allele CA1400787.
Genomic context (GRCh38, chr1:220,062,792, plus strand): 5'-AGCAGATGACAGACATTTTTCATACCTTATTTCCTGCTCCTCCTACTCGCAGCACAGCAT[C>T]GGGGTTCATAGCAGCAACACAGTCAGTAACCAACTTGTTGCTATGGGATCGAGTAGTTGT-3'
Protein context (NP_006076.4, residues 203-223): VTDCVAAMNP[Asp213Asn]AVLRVGGAGN